The following is an entry in ClinVar:

NM_001145252.3(CFP):c.404-6C>G

Gene: CFP (complement factor properdin; minus strand). Cytogenetic location: Xp11.23.
Variant type: single nucleotide variant.
Coding change: c.404-6C>G on transcript NM_001145252.3 (MANE Select); 6 bases into the intron before coding-DNA position 404, C replaced by G.
Molecular consequence: intron variant.
Genome position (GRCh38, 1-based): chrX:47,627,647, G>C on the plus strand (C>G on the coding strand, the complement: CFP is on the minus strand). VCF-style: chrX-47627647-G-C. GRCh37 (hg19) VCF-style: chrX-47487046-G-C.
Other names: c.404-6C>G (NM_002621.2).
Identifiers: ClinVar variation 2995401 (VCV002995401.3), dbSNP rs373347141, ClinGen allele CA10398960.

ClinVar aggregate classification (germline): Uncertain significance (1 of 4 stars; one submission).

Allele frequency attached by ClinVar (database versions not stated): 1000 Genomes Project 30x 0.00021; ExAC 0.00002; gnomAD 0.00007; gnomAD exomes below 0.00001; TOPMed 0.00007; ESP Exome Variant Server 0.00009.
gnomAD v4.1: 12 of 1,189,720 alleles (0.001%); highest among the groups gnomAD compares: African/African-American, 0.021%; no homozygotes.

Submission:

Labcorp Genetics (formerly Invitae), Labcorp
Classification: Uncertain significance. Last evaluated: 2025-12-15. Review status: criteria provided, single submitter. Criteria: Invitae Variant Classification Sherloc (09022015). Collection method: clinical testing. Allele origin: germline.
Comment: This sequence change falls in intron 4 of the CFP gene. It does not directly change the encoded amino acid sequence of the CFP protein. The frequency data for this variant in the population databases is considered unreliable, as metrics indicate poor data quality at this position in the gnomAD database. This variant has not been reported in the literature in individuals affected with CFP-related conditions. ClinVar contains an entry for this variant (Variation ID: 2995401). Algorithms developed to predict the effect of sequence changes on RNA splicing suggest that this variant may disrupt the consensus splice site. In summary, the available evidence is currently insufficient to determine the role of this variant in disease. Therefore, it has been classified as a Variant of Uncertain Significance.